The following is an entry in ClinVar:

ClinVar aggregate classification (germline): Uncertain significance (1 of 4 stars; one submission).

Allele frequency attached by ClinVar (database versions not stated): gnomAD exomes below 0.00001.
gnomAD v4.1: 1 of 1,556,792 alleles (0.000064%); highest among the groups gnomAD compares: Middle Eastern, 0.018%; no homozygotes.

Submission:

Labcorp Genetics (formerly Invitae), Labcorp
Classification: Uncertain significance. Last evaluated: 2025-10-21. Review status: criteria provided, single submitter. Criteria: Invitae Variant Classification Sherloc (09022015). Collection method: clinical testing. Allele origin: germline.
Comment: This sequence change replaces proline, which is neutral and non-polar, with serine, which is neutral and polar, at codon 94 of the THBD protein (p.Pro94Ser). This variant is not present in population databases (gnomAD no frequency). This variant has not been reported in the literature in individuals affected with THBD-related conditions. ClinVar contains an entry for this variant (Variation ID: 1347625). Invitae Evidence Modeling of protein sequence and biophysical properties (such as structural, functional, and spatial information, amino acid conservation, physicochemical variation, residue mobility, and thermodynamic stability) indicates that this missense variant is not expected to disrupt THBD protein function with a negative predictive value of 80%. In summary, the available evidence is currently insufficient to determine the role of this variant in disease. Therefore, it has been classified as a Variant of Uncertain Significance.

NM_000361.3(THBD):c.280C>T (p.Pro94Ser)

Gene: THBD (thrombomodulin; minus strand). Cytogenetic location: 20p11.21.
Variant type: single nucleotide variant.
Coding change: c.280C>T on transcript NM_000361.3 (MANE Select); coding-DNA position 280, C replaced by T.
Protein change: p.Pro94Ser; replaces proline 94 with serine.
Molecular consequence: missense variant.
Genome position (GRCh38, 1-based): chr20:23,049,225, G>A on the plus strand (C>T on the coding strand, the complement: THBD is on the minus strand). VCF-style: chr20-23049225-G-A. GRCh37 (hg19) VCF-style: chr20-23029862-G-A.
Other names: short protein forms P94S.
Identifiers: ClinVar variation 1347625 (VCV001347625.8), dbSNP rs1169178071, ClinGen allele CA408408019.